The following is an entry in ClinVar:

ClinVar aggregate classification (germline): Pathogenic (1 of 4 stars; one submission).

Allele frequency attached by ClinVar (database versions not stated): gnomAD exomes 0.00001.

Submission:

Labcorp Genetics (formerly Invitae), Labcorp
Classification: Pathogenic. Last evaluated: 2023-07-21. Review status: criteria provided, single submitter. Criteria: Invitae Variant Classification Sherloc (09022015). Collection method: clinical testing. Allele origin: germline.
Comment: This sequence change creates a premature translational stop signal (p.Thr186Lysfs*74) in the COLGALT1 gene. It is expected to result in an absent or disrupted protein product. Loss-of-function variants in COLGALT1 are known to be pathogenic (PMID: 30412317, 33709034). This variant is not present in population databases (gnomAD no frequency). This variant has not been reported in the literature in individuals affected with COLGALT1-related conditions. For these reasons, this variant has been classified as Pathogenic.

Literature cited by the submitters: PubMed 30412317; PubMed 33709034.

NM_024656.4(COLGALT1):c.553_556dup (p.Thr186fs)

Gene: COLGALT1 (collagen beta(1-O)galactosyltransferase 1; plus strand). Cytogenetic location: 19p13.11.
Variant type: Duplication.
Coding change: c.553_556dup on transcript NM_024656.4 (MANE Select); coding-DNA positions 553 to 556, 4 bases duplicated (AAGA; older notation c.553_556dupAAGA).
Protein change: p.Thr186fs; shifts the reading frame from threonine 186.
Molecular consequence: frameshift variant.
Genome position (GRCh38, 1-based): chr19:17,567,469-17,567,472, AAGA duplicated. VCF-style (leftmost placement, unchanged base first): chr19-17567468-C-CAAGA. GRCh37 (hg19) VCF-style: chr19-17678277-C-CAAGA.
Other names: short protein forms T186fs.
Identifiers: ClinVar variation 2906025 (VCV002906025.3), dbSNP rs2512878284, ClinGen allele CA2576714343.
Genomic context (GRCh38, chr19:17,567,468, plus strand): 5'-TGTAGATGCGGACAACCTGATCCTCAACCCTGACACACTGAGCCTGCTCATCGCTGAGAA[C>CAAGA]AAGACGGTGGTCGCCCCCATGCTGGATTCCCGGGCTGCGTACTCCAACTTCTGGTGTGGA-3'